The following is an entry in ClinVar:

ClinVar aggregate classification (germline): Uncertain significance (1 of 4 stars; one submission).

Allele frequency attached by ClinVar (database versions not stated): gnomAD exomes below 0.00001; ExAC 0.00001.
gnomAD v4.1: 1 of 1,614,064 alleles (0.000062%); no homozygotes.

Submission:

Labcorp Genetics (formerly Invitae), Labcorp
Classification: Uncertain significance. Last evaluated: 2021-02-24. Review status: criteria provided, single submitter. Criteria: Invitae Variant Classification Sherloc (09022015). Collection method: clinical testing. Allele origin: germline.
Comment: This sequence change replaces isoleucine with phenylalanine at codon 77 of the GNAT1 protein (p.Ile77Phe). The isoleucine residue is moderately conserved and there is a small physicochemical difference between isoleucine and phenylalanine. This variant is present in population databases (rs764511104, ExAC 0.002%). This variant has not been reported in the literature in individuals with GNAT1-related conditions. Algorithms developed to predict the effect of missense changes on protein structure and function (SIFT, PolyPhen-2, Align-GVGD) all suggest that this variant is likely to be tolerated, but these predictions have not been confirmed by published functional studies and their clinical significance is uncertain. In summary, the available evidence is currently insufficient to determine the role of this variant in disease. Therefore, it has been classified as a Variant of Uncertain Significance.

NM_144499.3(GNAT1):c.229A>T (p.Ile77Phe)

Gene: GNAT1 (G protein subunit alpha transducin 1; plus strand). Cytogenetic location: 3p21.31.
Variant type: single nucleotide variant.
Coding change: c.229A>T on transcript NM_144499.3 (MANE Select); coding-DNA position 229, A replaced by T.
Protein change: p.Ile77Phe; replaces isoleucine 77 with phenylalanine.
Molecular consequence: missense variant.
Genome position (GRCh38, 1-based): chr3:50,193,344, A>T. VCF-style: chr3-50193344-A-T. GRCh37 (hg19) VCF-style: chr3-50230777-A-T.
Other names: c.229A>T, p.Ile77Phe (NM_000172.4); short protein forms I77F.
Identifiers: ClinVar variation 1463560 (VCV001463560.8), dbSNP rs764511104, ClinGen allele CA2412485.